The following is an entry in ClinVar:

ClinVar aggregate classification (germline): Uncertain significance. Review status: criteria provided, multiple submitters, no conflicts (2 of 4 stars). 2 submissions from 2 submitters: Uncertain significance (2). Last evaluated 2026-02-10.

Allele frequency attached by ClinVar (database versions not stated): TOPMed below 0.00001.

Submissions (2):

GeneDx
Classification: Uncertain significance. Last evaluated: 2026-02-10. Review status: criteria provided, single submitter. Criteria: GeneDx Variant Classification Process June 2021. Collection method: clinical testing. Allele origin: germline.
Comment: Not observed at significant frequency in large population cohorts (gnomAD); In silico analysis suggests that this missense variant does not alter protein structure/function; This variant is associated with the following publications: (PMID: 36819107)

Labcorp Genetics (formerly Invitae), Labcorp
Classification: Uncertain significance. Last evaluated: 2022-07-25. Review status: criteria provided, single submitter. Criteria: Invitae Variant Classification Sherloc (09022015). Collection method: clinical testing. Allele origin: germline.
Comment: This sequence change replaces glutamic acid, which is acidic and polar, with glutamine, which is neutral and polar, at codon 3449 of the USH2A protein (p.Glu3449Gln). This variant is not present in population databases (gnomAD no frequency). This variant has not been reported in the literature in individuals affected with USH2A-related conditions. ClinVar contains an entry for this variant (Variation ID: 1366692). Algorithms developed to predict the effect of missense changes on protein structure and function are either unavailable or do not agree on the potential impact of this missense change (SIFT: "Deleterious"; PolyPhen-2: "Benign"; Align-GVGD: "Class C25"). In summary, the available evidence is currently insufficient to determine the role of this variant in disease. Therefore, it has been classified as a Variant of Uncertain Significance.

NM_206933.4(USH2A):c.10345G>C (p.Glu3449Gln)

Gene: USH2A (usherin; minus strand). Cytogenetic location: 1q41.
Variant type: single nucleotide variant.
Coding change: c.10345G>C on transcript NM_206933.4 (MANE Select); coding-DNA position 10345, G replaced by C.
Protein change: p.Glu3449Gln; replaces glutamic acid 3449 with glutamine.
Molecular consequence: missense variant.
Genome position (GRCh38, 1-based): chr1:215,786,712, C>G on the plus strand (G>C on the coding strand, the complement: USH2A is on the minus strand). VCF-style: chr1-215786712-C-G. GRCh37 (hg19) VCF-style: chr1-215960054-C-G.
Other names: c.10345G>C (NM_206933.2); short protein forms E3449Q.
Identifiers: ClinVar variation 1366692 (VCV001366692.4), dbSNP rs866083618, ClinGen allele CA344839685.
Genomic context (GRCh38, chr1:215,786,712, plus strand): 5'-CAGCTTGCTTTCTGTTACCTGTGTAAGAGTACGTGTTTACACTCCCTGTATGAATGGTTT[C>G]TTCGGCAGATGAACACATTTCTTCAATTGATGCCTTCCCTGTGGAATTGTGAGACCCTCT-3'
Protein context (NP_996816.3, residues 3439-3459): SIEEMCSSAE[Glu3449Gln]TIHTGSVNTY